The following is an entry in ClinVar:

NM_182476.3(COQ6):c.1184C>T (p.Thr395Met)

Genes: ENTPD5 (ectonucleoside triphosphate diphosphohydrolase 5; minus strand), COQ6 (coenzyme Q6, monooxygenase; plus strand). Cytogenetic location: 14q24.3.
Variant type: single nucleotide variant.
Coding change: c.1184C>T on transcript NM_182476.3 (MANE Select); coding-DNA position 1184, C replaced by T.
Protein change: p.Thr395Met; replaces threonine 395 with methionine.
Molecular consequence: missense variant. On other transcripts: intron variant (5).
Genome position (GRCh38, 1-based): chr14:73,961,544, C>T. VCF-style: chr14-73961544-C-T. GRCh37 (hg19) VCF-style: chr14-74428247-C-T.
Other names: p.T395M:ACG>ATG; c.1201-5957G>A (NM_001382258.1); c.1201-5716G>A (NM_001382262.1); c.1201-1991G>A (NM_001382260.1, NM_001382259.1, NM_001330189.2); c.1109C>T, p.Thr370Met (NM_182480.3); c.1207G>A, p.Val403Ile (NM_001321984.2); c.1184C>T, p.Thr395Met (NM_001425255.1); c.1076C>T, p.Thr359Met (NM_001425256.1); and 6 more; short protein forms T370M, T395M, V403I.
Identifiers: ClinVar variation 214232 (VCV000214232.35), dbSNP rs34746680, ClinGen allele CA324822.

ClinVar aggregate classification (germline): Benign. Review status: criteria provided, multiple submitters, no conflicts (2 of 4 stars). 6 submissions from 6 submitters: Benign (6). Last evaluated 2026-02-01.

Conditions:
Familial steroid-resistant nephrotic syndrome with sensorineural deafness. Identifiers: Orphanet 280406, MedGen C3553349, MONDO:0013836, OMIM 614650.

Allele frequency attached by ClinVar (database versions not stated): ExAC 0.00242; gnomAD 0.00676 and 0.00726; 1000 Genomes Project 0.00699; ESP Exome Variant Server 0.00823; gnomAD exomes 0.00192 and 0.00085; 1000 Genomes Project 30x 0.00796; TOPMed 0.00757.
gnomAD v4.1: 2,288 of 1,614,090 alleles (0.14%); highest among the groups gnomAD compares: African/African-American, 2.4%; 31 homozygotes.

Submissions (6):

Labcorp Genetics (formerly Invitae), Labcorp
Classification: Benign. Last evaluated: 2026-02-01. Review status: criteria provided, single submitter. Criteria: Invitae Variant Classification Sherloc (09022015). Collection method: clinical testing. Allele origin: germline.

CeGaT Center for Human Genetics Tuebingen
Classification: Benign. Last evaluated: 2025-03-01. Review status: criteria provided, single submitter. Criteria: CeGaT Center For Human Genetics Tuebingen Variant Classification Criteria Version 2. Collection method: clinical testing. Allele origin: germline. Affected: yes. Observed: 3 variant alleles.
Comment: COQ6: BP4, BS1, BS2

Mayo Clinic Laboratories, Mayo Clinic
Classification: Benign. Last evaluated: 2023-03-27. Review status: criteria provided, single submitter. Criteria: ACMG Guidelines, 2015. Collection method: clinical testing. Allele origin: germline. Observed: 16 variant alleles.
Comment: BS1, BS2, BP4

Fulgent Genetics
Classification: Benign for Familial steroid-resistant nephrotic syndrome with sensorineural deafness. Last evaluated: 2021-10-21. Review status: criteria provided, single submitter. Criteria: ACMG Guidelines, 2015. Collection method: clinical testing. Allele origin: unknown.

GeneDx
Classification: Benign. Last evaluated: 2014-10-06. Review status: criteria provided, single submitter. Criteria: GeneDx Variant Classification (06012015). Collection method: clinical testing. Allele origin: germline. Affected: yes.
Comment: This variant is considered likely benign or benign based on one or more of the following criteria: it is a conservative change, it occurs at a poorly conserved position in the protein, it is predicted to be benign by multiple in silico algorithms, and/or has population frequency not consistent with disease.

Breakthrough Genomics
Classification: Benign. Review status: criteria provided, single submitter. Criteria: ACMG Guidelines, 2015. Collection method: not provided. Allele origin: germline. Inheritance: Autosomal recessive inheritance. Affected: yes.